The following is an entry in ClinVar:

ClinVar aggregate classification (germline): Uncertain significance (1 of 4 stars; one submission).

Conditions:
Peroxisome biogenesis disorder. Identifiers: Orphanet 79189, MedGen C1832200, MONDO:0019234. Disease mechanism: loss of function.

Allele frequency attached by ClinVar (database versions not stated): gnomAD exomes below 0.00001; TOPMed below 0.00001.

Submission:

Labcorp Genetics (formerly Invitae), Labcorp
Classification: Uncertain significance for Peroxisome biogenesis disorder. Last evaluated: 2022-02-11. Review status: criteria provided, single submitter. Criteria: Invitae Variant Classification Sherloc (09022015). Collection method: clinical testing. Allele origin: germline.
Comment: This sequence change replaces alanine, which is neutral and non-polar, with threonine, which is neutral and polar, at codon 586 of the PEX6 protein (p.Ala586Thr). This variant is not present in population databases (gnomAD no frequency). This variant has not been reported in the literature in individuals affected with PEX6-related conditions. ClinVar contains an entry for this variant (Variation ID: 1058762). Algorithms developed to predict the effect of missense changes on protein structure and function are either unavailable or do not agree on the potential impact of this missense change (SIFT: "Tolerated"; PolyPhen-2: "Probably Damaging"; Align-GVGD: "Class C0"). In summary, the available evidence is currently insufficient to determine the role of this variant in disease. Therefore, it has been classified as a Variant of Uncertain Significance.

NM_000287.4(PEX6):c.1756G>A (p.Ala586Thr)

Gene: PEX6 (peroxisomal biogenesis factor 6; minus strand). Cytogenetic location: 6p21.1.
Variant type: single nucleotide variant.
Coding change: c.1756G>A on transcript NM_000287.4 (MANE Select); coding-DNA position 1756, G replaced by A.
Protein change: p.Ala586Thr; replaces alanine 586 with threonine.
Molecular consequence: missense variant. On other transcripts: non-coding transcript variant (1).
Genome position (GRCh38, 1-based): chr6:42,967,496, C>T on the plus strand (G>A on the coding strand, the complement: PEX6 is on the minus strand). VCF-style: chr6-42967496-C-T. GRCh37 (hg19) VCF-style: chr6-42935234-C-T.
Other names: c.1492G>A, p.Ala498Thr (NM_001316313.2); short protein forms A498T, A586T.
Identifiers: ClinVar variation 1058762 (VCV001058762.6), dbSNP rs1309200431, ClinGen allele CA364153734.